The following is an entry in ClinVar:

ClinVar aggregate classification (germline): Uncertain significance (1 of 4 stars; one submission).

Conditions:
Alstrom syndrome (ALMS). Identifiers: Orphanet 64, MedGen C0268425, MONDO:0008763, OMIM 203800.

gnomAD v4.1: 4 of 1,580,672 alleles (0.00025%); highest among the groups gnomAD compares: Admixed American, 0.0073%; no homozygotes.

Submission:

Labcorp Genetics (formerly Invitae), Labcorp
Classification: Uncertain significance for Alstrom syndrome. Last evaluated: 2023-11-17. Review status: criteria provided, single submitter. Criteria: Invitae Variant Classification Sherloc (09022015). Collection method: clinical testing. Allele origin: germline.
Comment: This sequence change replaces proline, which is neutral and non-polar, with leucine, which is neutral and non-polar, at codon 85 of the ALMS1 protein (p.Pro85Leu). This variant is present in population databases (no rsID available, gnomAD 0.02%). This variant has not been reported in the literature in individuals affected with ALMS1-related conditions. Experimental studies and prediction algorithms are not available or were not evaluated, and the functional significance of this variant is currently unknown. In summary, the available evidence is currently insufficient to determine the role of this variant in disease. Therefore, it has been classified as a Variant of Uncertain Significance.

NM_001378454.1(ALMS1):c.251C>T (p.Pro84Leu)

Gene: ALMS1 (ALMS1 centrosome and basal body associated protein; plus strand). Cytogenetic location: 2p13.1.
Variant type: single nucleotide variant.
Coding change: c.251C>T on transcript NM_001378454.1 (MANE Select); coding-DNA position 251, C replaced by T.
Protein change: p.Pro84Leu; replaces proline 84 with leucine.
Molecular consequence: missense variant.
Genome position (GRCh38, 1-based): chr2:73,386,119, C>T. VCF-style: chr2-73386119-C-T. GRCh37 (hg19) VCF-style: chr2-73613247-C-T.
Other names: c.254C>T, p.Pro85Leu (NM_015120.4); short protein forms P85L, P84L.
Identifiers: ClinVar variation 3017142 (VCV003017142.1), dbSNP rs1025964615, ClinGen allele CA347250931.